The following is an entry in ClinVar:

NM_006886.4(ATP5F1E):c.-25C>T

Genes: ATP5F1E (ATP synthase F1 subunit epsilon; minus strand), SLMO2-ATP5E (SLMO2-ATP5E readthrough; minus strand). Cytogenetic location: 20q13.32.
Variant type: single nucleotide variant.
Coding change: c.-25C>T on transcript NM_006886.4 (MANE Select); 25 bases upstream of the start codon, C replaced by T.
Molecular consequence: 5 prime UTR variant.
Genome position (GRCh38, 1-based): chr20:59,032,276, G>A on the plus strand (C>T on the coding strand, the complement: ATP5F1E is on the minus strand). VCF-style: chr20-59032276-G-A. GRCh37 (hg19) VCF-style: chr20-57607331-G-A.
Identifiers: ClinVar variation 136460 (VCV000136460.1), dbSNP rs201907184, ClinGen allele CA289595.

ClinVar aggregate classification (germline): Benign (1 of 4 stars; one submission).

Allele frequency attached by ClinVar (database versions not stated): TOPMed 0.00011; 1000 Genomes Project 0.00919; 1000 Genomes Project 30x 0.01015; ExAC 0.01044; ESP Exome Variant Server 0.00008.
gnomAD v4.1: 3,876 of 1,596,556 alleles (0.24%); highest among the groups gnomAD compares: South Asian, 4.1%; 128 homozygotes.

Submission:

GeneDx
Classification: Benign. Last evaluated: 2014-03-28. Review status: criteria provided, single submitter. Criteria: GeneDx Variant Classification (06012015). Collection method: clinical testing. Allele origin: germline. Affected: yes.
Comment: This variant is considered likely benign or benign based on one or more of the following criteria: it is a conservative change, it occurs at a poorly conserved position in the protein, it is predicted to be benign by multiple in silico algorithms, and/or has population frequency not consistent with disease.